The following is an entry in ClinVar:

NM_018036.7(ATG2B):c.4079T>C (p.Ile1360Thr)

Gene: ATG2B (autophagy related 2B; minus strand). Cytogenetic location: 14q32.2.
Variant type: single nucleotide variant.
Coding change: c.4079T>C on transcript NM_018036.7 (MANE Select); coding-DNA position 4079, T replaced by C.
Protein change: p.Ile1360Thr; replaces isoleucine 1360 with threonine.
Molecular consequence: missense variant.
Genome position (GRCh38, 1-based): chr14:96,311,199, A>G on the plus strand (T>C on the coding strand, the complement: ATG2B is on the minus strand). VCF-style: chr14-96311199-A-G. GRCh37 (hg19) VCF-style: chr14-96777536-A-G.
Other names: short protein forms I1360T.
Identifiers: ClinVar variation 3045012 (VCV003045012.2), dbSNP rs147079514, ClinGen allele CA7336042.

ClinVar aggregate classification (germline): Benign (0 of 4 stars; one submission).

Conditions:
ATG2B-related disorder. Also called: ATG2B-related condition.

Allele frequency attached by ClinVar (database versions not stated): gnomAD exomes 0.00044; gnomAD 0.00056; TOPMed 0.00058; ExAC 0.00076; ESP Exome Variant Server 0.00092.
gnomAD v4.1: 808 of 1,613,952 alleles (0.05%); highest among the groups gnomAD compares: Middle Eastern, 0.016%; 4 homozygotes.

Submission:

PreventionGenetics, part of Exact Sciences
Classification: Benign for ATG2B-related condition. Last evaluated: 2019-11-11. Review status: no assertion criteria provided. Collection method: clinical testing. Allele origin: germline.
Comment: This variant is classified as benign based on ACMG/AMP sequence variant interpretation guidelines (Richards et al. 2015 PMID: 25741868, with internal and published modifications).